The following is an entry in ClinVar:

NM_000553.6(WRN):c.1693A>G (p.Arg565Gly)

Gene: WRN (WRN RecQ like helicase; plus strand). Cytogenetic location: 8p12.
Variant type: single nucleotide variant.
Coding change: c.1693A>G on transcript NM_000553.6 (MANE Select); coding-DNA position 1693, A replaced by G.
Protein change: p.Arg565Gly; replaces arginine 565 with glycine.
Molecular consequence: missense variant.
Genome position (GRCh38, 1-based): chr8:31,090,505, A>G. VCF-style: chr8-31090505-A-G. GRCh37 (hg19) VCF-style: chr8-30948021-A-G.
Other names: short protein forms R565G.
Identifiers: ClinVar variation 1922272 (VCV001922272.5), dbSNP rs1210288458, ClinGen allele CA370926994.

ClinVar aggregate classification (germline): Uncertain significance (1 of 4 stars; one submission).

Conditions:
Werner syndrome (WRN). Identifiers: Orphanet 902, MedGen C0043119, MONDO:0010196, OMIM 277700.

Allele frequency attached by ClinVar (database versions not stated): TOPMed below 0.00001.

Submission:

Labcorp Genetics (formerly Invitae), Labcorp
Classification: Uncertain significance for Werner syndrome. Last evaluated: 2022-08-03. Review status: criteria provided, single submitter. Criteria: Invitae Variant Classification Sherloc (09022015). Collection method: clinical testing. Allele origin: germline.
Comment: In summary, the available evidence is currently insufficient to determine the role of this variant in disease. Therefore, it has been classified as a Variant of Uncertain Significance. Algorithms developed to predict the effect of missense changes on protein structure and function are either unavailable or do not agree on the potential impact of this missense change (SIFT: "Not Available"; PolyPhen-2: "Probably Damaging"; Align-GVGD: "Not Available"). This variant has not been reported in the literature in individuals affected with WRN-related conditions. This variant is not present in population databases (gnomAD no frequency). This sequence change replaces arginine, which is basic and polar, with glycine, which is neutral and non-polar, at codon 565 of the WRN protein (p.Arg565Gly).